The following is an entry in ClinVar:

NM_000368.5(TSC1):c.2910G>A (p.Glu970=)

Gene: TSC1 (TSC complex subunit 1; minus strand). Cytogenetic location: 9q34.13.
Variant type: single nucleotide variant.
Coding change: c.2910G>A on transcript NM_000368.5 (MANE Select); coding-DNA position 2910, G replaced by A.
Protein change: p.Glu970=; no amino-acid change (glutamic acid 970 retained).
Molecular consequence: synonymous variant.
Genome position (GRCh38, 1-based): chr9:132,897,249, C>T on the plus strand (G>A on the coding strand, the complement: TSC1 is on the minus strand). VCF-style: chr9-132897249-C-T. GRCh37 (hg19) VCF-style: chr9-135772636-C-T.
Other names: c.2907G>A, p.Glu969= (NM_001162426.2); c.2757G>A, p.Glu919= (NM_001162427.2); c.2547G>A, p.Glu849= (NM_001362177.2).
Identifiers: ClinVar variation 767062 (VCV000767062.33), dbSNP rs762627301, ClinGen allele CA035032.

ClinVar aggregate classification (germline): Benign/Likely benign. Review status: criteria provided, multiple submitters, no conflicts (2 of 4 stars). 5 submissions from 5 submitters: Benign (1); Likely benign (4). Last evaluated 2026-04-01.

Conditions:
Tuberous sclerosis 1 (TSC1). Identifiers: Orphanet 805, MedGen C1854465, MONDO:0008612, OMIM 191100.
Tuberous sclerosis syndrome (TSC). Also called: Tuberous sclerosis; Tuberous Sclerosis Complex. Identifiers: Orphanet 805, MedGen C0041341, MONDO:0001734.
Hereditary cancer-predisposing syndrome. Also called: Hereditary Cancer Syndrome; Tumor predisposition; Hereditary neoplastic syndrome; Neoplastic Syndromes, Hereditary. Identifiers: Orphanet 140162, MedGen C0027672, MeSH D009386, MONDO:0015356.

Allele frequency attached by ClinVar (database versions not stated): gnomAD exomes below 0.00001 and 0.00001; ExAC 0.00001; gnomAD 0.00001.
gnomAD v4.1: 8 of 1,614,110 alleles (0.0005%); highest among the groups gnomAD compares: Non-Finnish European, 0.00051%; no homozygotes.

Submissions (5):

CeGaT Center for Human Genetics Tuebingen
Classification: Likely benign. Last evaluated: 2026-04-01. Review status: criteria provided, single submitter. Criteria: CeGaT Center For Human Genetics Tuebingen Variant Classification Criteria Version 2. Collection method: clinical testing. Allele origin: germline. Affected: yes. Observed: 2 variant alleles.
Comment: TSC1: BP4, BP7

Color Diagnostics, LLC DBA Color Health
Classification: Likely benign for Tuberous sclerosis syndrome. Last evaluated: 2025-08-30. Review status: criteria provided, single submitter. Criteria: ACMG Guidelines, 2015. Collection method: clinical testing. Allele origin: germline.

Labcorp Genetics (formerly Invitae), Labcorp
Classification: Likely benign for Tuberous sclerosis 1. Last evaluated: 2025-07-29. Review status: criteria provided, single submitter. Criteria: Invitae Variant Classification Sherloc (09022015). Collection method: clinical testing. Allele origin: germline.

Myriad Genetics, Inc.
Classification: Benign for Tuberous sclerosis 1. Last evaluated: 2025-04-29. Review status: criteria provided, single submitter. Criteria: Myriad Autosomal Dominant, Autosomal Recessive and X-Linked Classification Criteria (2023). Collection method: clinical testing. Allele origin: unknown.
Comment: This variant is considered benign. This variant is a silent/synonymous amino acid change and it is not expected to impact splicing.

Ambry Genetics
Classification: Likely benign for Hereditary cancer-predisposing syndrome. Last evaluated: 2022-10-29. Review status: criteria provided, single submitter. Criteria: Ambry Variant Classification Scheme 2023. Collection method: clinical testing. Allele origin: germline.